The following is an entry in ClinVar:

NM_001374736.1(DST):c.16830T>A (p.Asp5610Glu)

Gene: DST (dystonin; minus strand). Cytogenetic location: 6p12.1.
Variant type: single nucleotide variant.
Coding change: c.16830T>A on transcript NM_001374736.1 (MANE Select); coding-DNA position 16830, T replaced by A.
Protein change: p.Asp5610Glu; replaces aspartic acid 5610 with glutamic acid.
Molecular consequence: missense variant.
Genome position (GRCh38, 1-based): chr6:56,535,233, A>T on the plus strand (T>A on the coding strand, the complement: DST is on the minus strand). VCF-style: chr6-56535233-A-T. GRCh37 (hg19) VCF-style: chr6-56400031-A-T.
Other names: c.10473T>A, p.Asp3491Glu (NM_001144769.5); c.10059T>A, p.Asp3353Glu (NM_001144770.2); c.16830T>A, p.Asp5610Glu (NM_001374722.1); c.16197T>A, p.Asp5399Glu (NM_001374729.1); c.9939T>A, p.Asp3313Glu (NM_001374730.1, NM_001386100.1, NM_183380.4); c.16857T>A, p.Asp5619Glu (NM_001374734.1); c.8961T>A, p.Asp2987Glu (NM_015548.5); short protein forms D2987E, D3313E, D5399E, D5610E, D3353E, D3491E, D5619E.
Identifiers: ClinVar variation 2114601 (VCV002114601.4), dbSNP rs764620103, ClinGen allele CA3867581.
Genomic context (GRCh38, chr6:56,535,233, plus strand): 5'-CTTCTGATTGGCCACAAGCTCCTCAGTGTCCACCATCCAGCTGAGCAGGGACTCCAGGGC[A>T]TCCTGGAACCTCCCACAGTGCAGCAAGGCCTCCTGCAGCTGGGCTGCTCGCTGAGCCACC-3'
Protein context (NP_001361665.1, residues 5600-5620): EALLHCGRFQ[Asp5610Glu]ALESLLSWMV

ClinVar aggregate classification (germline): Uncertain significance (1 of 4 stars; one submission).

Conditions:
Hereditary sensory and autonomic neuropathy type 6. Also called: HSAN VI; Neuropathy, hereditary sensory and autonomic, type VI. Identifiers: Orphanet 314381, MedGen C3539003, MONDO:0013839, OMIM 614653.
Epidermolysis bullosa simplex 3, localized or generalized intermediate, with BP230 deficiency (EBS3). Also called: Epidermolysis bullosa simplex, autosomal recessive 2; Epidermolysis bullosa simplex due to BP230 deficiency. Identifiers: Orphanet 412181, MedGen C3809470, MONDO:0014180, OMIM 615425.

Allele frequency attached by ClinVar (database versions not stated): ExAC 0.00001.
gnomAD v4.1: 2 of 1,612,772 alleles (0.00012%); highest among the groups gnomAD compares: Non-Finnish European, 0.00017%; no homozygotes.

Submission:

Labcorp Genetics (formerly Invitae), Labcorp
Classification: Uncertain significance for Epidermolysis bullosa simplex 3, localized or generalized intermediate, with BP230 deficiency; Hereditary sensory and autonomic neuropathy type 6. Last evaluated: 2022-07-29. Review status: criteria provided, single submitter. Criteria: Invitae Variant Classification Sherloc (09022015). Collection method: clinical testing. Allele origin: germline.
Comment: The DST gene has multiple clinically relevant transcripts. This variant occurs in alternate transcript NM_015548.4, and corresponds to NM_001723.5:c.*80284T>A in the primary transcript. This sequence change replaces aspartic acid, which is acidic and polar, with glutamic acid, which is acidic and polar, at codon 2987 of the DST protein (p.Asp2987Glu). This variant is present in population databases (rs764620103, gnomAD 0.0009%). This variant has not been reported in the literature in individuals affected with DST-related conditions. Experimental studies and prediction algorithms are not available or were not evaluated, and the functional significance of this variant is currently unknown. In summary, the available evidence is currently insufficient to determine the role of this variant in disease. Therefore, it has been classified as a Variant of Uncertain Significance.